The following is an entry in ClinVar:

NM_000363.5(TNNI3):c.282+6G>C

Gene: TNNI3 (troponin I3, cardiac type; minus strand). Cytogenetic location: 19q13.42.
Variant type: single nucleotide variant.
Coding change: c.282+6G>C on transcript NM_000363.5 (MANE Select); 6 bases into the intron after coding-DNA position 282, G replaced by C.
Molecular consequence: intron variant.
Genome position (GRCh38, 1-based): chr19:55,156,195, C>G on the plus strand (G>C on the coding strand, the complement: TNNI3 is on the minus strand). VCF-style: chr19-55156195-C-G. GRCh37 (hg19) VCF-style: chr19-55667563-C-G.
Other names: c.282+6G>C (LRG_432t1).
Identifiers: ClinVar variation 509990 (VCV000509990.10), dbSNP rs1210217999, ClinGen allele CA658799315.

ClinVar aggregate classification (germline): Conflicting classifications of pathogenicity. Review status: criteria provided, conflicting classifications (1 of 4 stars). 4 submissions from 4 submitters: Uncertain significance (3); Likely benign (1). Last evaluated 2025-09-20.

Conditions:
Cardiomyopathy (CMYO). Also called: Cardiomyopathies. Identifiers: Orphanet 167848, MedGen C0878544, MONDO:0004994, HP:0001638. Inheritance: Various modes of inheritance.
Hypertrophic cardiomyopathy. Also called: HYPERTROPHIC MYOCARDIOPATHY. Identifiers: Orphanet 217569, MedGen C0007194, MeSH D002312, MONDO:0005045, HP:0001639.

Allele frequency attached by ClinVar (database versions not stated): gnomAD exomes below 0.00001; gnomAD 0.00001; TOPMed 0.00001.

Submissions (4):

Labcorp Genetics (formerly Invitae), Labcorp
Classification: Uncertain significance for Hypertrophic cardiomyopathy. Last evaluated: 2025-09-20. Review status: criteria provided, single submitter. Criteria: Invitae Variant Classification Sherloc (09022015). Collection method: clinical testing. Allele origin: germline.
Comment: This sequence change falls in intron 5 of the TNNI3 gene. It does not directly change the encoded amino acid sequence of the TNNI3 protein. It affects a nucleotide within the consensus splice site. This variant is not present in population databases (gnomAD no frequency). This variant has not been reported in the literature in individuals affected with TNNI3-related conditions. ClinVar contains an entry for this variant (Variation ID: 509990). Variants that disrupt the consensus splice site are a relatively common cause of aberrant splicing (PMID: 17576681, 9536098). Algorithms developed to predict the effect of sequence changes on RNA splicing suggest that this variant is not likely to affect RNA splicing. In summary, the available evidence is currently insufficient to determine the role of this variant in disease. Therefore, it has been classified as a Variant of Uncertain Significance.

All of Us Research Program, National Institutes of Health
Classification: Uncertain significance for Hypertrophic cardiomyopathy. Last evaluated: 2024-07-20. Review status: criteria provided, single submitter. Criteria: ACMG Guidelines, 2015. Collection method: clinical testing. Allele origin: germline. Inheritance: Autosomal dominant inheritance. Observed: 1 variant allele, 1 heterozygote.
Comment: This variant causes a G to C nucleotide substitution at the +6 position of intron 5 of the TNNI3 gene. To our knowledge, functional studies have not been reported for this variant. This variant has not been reported in individuals affected with TNNI3-related disorders in the literature. This variant has not been identified in the general population by the Genome Aggregation Database (gnomAD). The available evidence is insufficient to determine the role of this variant in disease conclusively. Therefore, this variant is classified as a Variant of Uncertain Significance.

This study involves interpretation of variants in research participants for the purpose of population health screening. Participant phenotype was not available at the time of variant classification. Additional details can be found in publication PMID: 35346344, PMCID: PMC8962531

Color Diagnostics, LLC DBA Color Health
Classification: Uncertain significance for Cardiomyopathy. Last evaluated: 2024-07-16. Review status: criteria provided, single submitter. Criteria: ACMG Guidelines, 2015. Collection method: clinical testing. Allele origin: germline.
Comment: This variant causes a G to C nucleotide substitution at the +6 position of intron 5 of the TNNI3 gene. To our knowledge, functional studies have not been reported for this variant. This variant has not been reported in individuals affected with TNNI3-related disorders in the literature. This variant has not been identified in the general population by the Genome Aggregation Database (gnomAD). The available evidence is insufficient to determine the role of this variant in disease conclusively. Therefore, this variant is classified as a Variant of Uncertain Significance.

GeneDx
Classification: Likely benign. Last evaluated: 2017-06-06. Review status: criteria provided, single submitter. Criteria: GeneDx Variant Classification (06012015). Collection method: clinical testing. Allele origin: germline. Affected: yes.
Comment: This variant is considered likely benign or benign based on one or more of the following criteria: it is a conservative change, it occurs at a poorly conserved position in the protein, it is predicted to be benign by multiple in silico algorithms, and/or has population frequency not consistent with disease.

Literature cited by the submitters: PubMed 17576681 (cited by Labcorp Genetics (formerly Invitae), Labcorp); PubMed 9536098 (cited by Labcorp Genetics (formerly Invitae), Labcorp).